The following is an entry in ClinVar:

ClinVar aggregate classification (germline): Pathogenic (1 of 4 stars; one submission).

Allele frequency attached by ClinVar (database versions not stated): ExAC 0.00001; gnomAD 0.00001; TOPMed 0.00002; gnomAD exomes 0.00003.
gnomAD v4.1: 50 of 1,614,040 alleles (0.0031%); highest among the groups gnomAD compares: Non-Finnish European, 0.0042%; no homozygotes.

Submission:

GeneDx
Classification: Pathogenic. Last evaluated: 2026-08-25. Review status: criteria provided, single submitter. Criteria: GeneDx Variant Classification Process June 2021. Collection method: clinical testing. Allele origin: germline.
Comment: Nonsense variant in the C-terminus predicted to result in protein truncation, as the last 2063 amino acids are lost, and other loss-of-function variants have been reported downstream in the Human Gene Mutation Database (HGMD); Not observed at significant frequency in large population cohorts (gnomAD); Has not been previously published as pathogenic or benign to our knowledge

NM_002016.2(FLG):c.5996C>G (p.Ser1999Ter)

Genes: CCDST (cervical cancer associated DHX9 suppressive transcript; plus strand), FLG (filaggrin; minus strand). Cytogenetic location: 1q21.3.
Variant type: single nucleotide variant.
Coding change: c.5996C>G on transcript NM_002016.2 (MANE Select); coding-DNA position 5996, C replaced by G.
Protein change: p.Ser1999Ter; replaces serine 1999 with a stop codon.
Molecular consequence: nonsense.
Genome position (GRCh38, 1-based): chr1:152,308,890, G>C on the plus strand (C>G on the coding strand, the complement: FLG is on the minus strand). VCF-style: chr1-152308890-G-C. GRCh37 (hg19) VCF-style: chr1-152281366-G-C.
Other names: short protein forms S1999*.
Identifiers: ClinVar variation 2444622 (VCV002444622.2), dbSNP rs755879795, ClinGen allele CA1105470.